The following is an entry in ClinVar:

NM_175914.5(HNF4A):c.723G>C (p.Arg241=)

Gene: HNF4A (hepatocyte nuclear factor 4 alpha; plus strand). Cytogenetic location: 20q13.12.
Variant type: single nucleotide variant.
Coding change: c.723G>C on transcript NM_175914.5 (MANE Select); coding-DNA position 723, G replaced by C.
Protein change: p.Arg241=; no amino-acid change (arginine 241 retained).
Molecular consequence: synonymous variant.
Genome position (GRCh38, 1-based): chr20:44,419,773, G>C. VCF-style: chr20-44419773-G-C. GRCh37 (hg19) VCF-style: chr20-43048413-G-C.
Other names: c.789G>C, p.Arg263= (NM_000457.6, NM_178849.3, NM_178850.3); c.723G>C, p.Arg241= (NM_001030003.3, NM_001030004.3); c.768G>C, p.Arg256= (NM_001258355.2); c.714G>C, p.Arg238= (NM_001287182.2, NM_001287183.2, NM_001287184.2).
Identifiers: ClinVar variation 895197 (VCV000895197.5), dbSNP rs372639360, ClinGen allele CA9870369.

ClinVar aggregate classification (germline): Conflicting classifications of pathogenicity. Review status: criteria provided, conflicting classifications (1 of 4 stars). 3 submissions from 2 submitters: Uncertain significance (2); Benign (1). Last evaluated 2018-01-13.

Conditions:
Maturity-onset diabetes of the young (MODY). Also called: Maturity onset diabetes mellitus in young. Identifiers: Orphanet 552, MedGen C0342276, MONDO:0018911, HP:0004904.
Maturity-onset diabetes of the young type 1. Also called: MODY type 1; Diabetes mellitus MODY type 1; MODY HNF4A related; MILD JUVENILE DIABETES MELLITUS; HNF4A-Related Maturity-Onset Diabetes of the Young Type 1; MODY, type I. Identifiers: Orphanet 552, MedGen C1852093, MONDO:0007452, OMIM 125850. Disease mechanism: loss of function.
Familial hyperinsulinism. Also called: Congenital hyperinsulinism. Identifiers: Orphanet 276525, MedGen C3888018, MONDO:0017182. Disease mechanism: loss of function.

Allele frequency attached by ClinVar (database versions not stated): gnomAD 0.00001; TOPMed 0.00002; ESP Exome Variant Server 0.00008.
gnomAD v4.1: 16 of 1,614,068 alleles (0.00099%); highest among the groups gnomAD compares: African/African-American, 0.0013%; no homozygotes.

Submissions (3):

Illumina Laboratory Services, Illumina
Classification: Uncertain significance for Maturity-onset diabetes of the young type 1. Last evaluated: 2018-01-13. Review status: criteria provided, single submitter. Criteria: ICSL Variant Classification Criteria 13 December 2019. Collection method: clinical testing. Allele origin: germline.

Illumina Laboratory Services, Illumina
Classification: Uncertain significance for Familial hyperinsulinism. Last evaluated: 2018-01-13. Review status: criteria provided, single submitter. Criteria: ICSL Variant Classification Criteria 13 December 2019. Collection method: clinical testing. Allele origin: germline.

Clinical Genomics, Uppaluri K&H Personalized Medicine Clinic
Classification: Benign for Maturity-onset diabetes of the young. Review status: criteria provided, single submitter. Criteria: K & H Uppaluri Personalized Medicine Clinic Variant Classification & Assertion Criteria_Updated V.1. Collection method: research. Allele origin: unknown. Inheritance: Autosomal dominant inheritance.
Comment: Potent mutations in HNF4A are associated with poor insulin secretion in response to hyperglycemia. Associated with MODY1. Patients initially respond well to sulfonylureas but eventually become insulin dependent. However, more evidence is required to ascertain the role of this particular variant rs372639360 in MODY, yet.

Literature cited by the submitters: PubMed 18268044 (cited by Clinical Genomics, Uppaluri K&H Personalized Medicine Clinic); PubMed 17563455 (cited by Clinical Genomics, Uppaluri K&H Personalized Medicine Clinic); PubMed 32583173 (cited by Clinical Genomics, Uppaluri K&H Personalized Medicine Clinic); PubMed 35052457 (cited by Clinical Genomics, Uppaluri K&H Personalized Medicine Clinic); PubMed 35118593 (cited by Clinical Genomics, Uppaluri K&H Personalized Medicine Clinic); DOI 10.1159/000334532 (cited by Clinical Genomics, Uppaluri K&H Personalized Medicine Clinic).